The following is an entry in ClinVar:

ClinVar aggregate classification (germline): Pathogenic. Review status: criteria provided, multiple submitters, no conflicts (2 of 4 stars). 14 submissions from 14 submitters: Pathogenic (13). 1 of the submissions does not count toward it. Last evaluated 2026-02-23.

Conditions:
DNAH11-related disorder. Also called: DNAH11-related condition.
DNAH11-related disorders.
Primary ciliary dyskinesia. Also called: Ciliary dyskinesia. Identifiers: Orphanet 244, MedGen C0008780, MONDO:0016575, HP:0012265.
Primary ciliary dyskinesia 7. Also called: CILIARY DYSKINESIA, PRIMARY, 7, WITH OR WITHOUT SITUS INVERSUS. Identifiers: Orphanet 244, MedGen C2678473, MONDO:0012748, OMIM 611884.

Allele frequency attached by ClinVar (database versions not stated): gnomAD exomes 0.00004; gnomAD 0.00005 and 0.00006; ESP Exome Variant Server 0.00008; TOPMed 0.00008.
gnomAD v4.1: 100 of 1,613,180 alleles (0.0062%); highest among the groups gnomAD compares: Non-Finnish European, 0.0075%; no homozygotes.

Submissions (14):

PreventionGenetics, part of Exact Sciences
Classification: Pathogenic for DNAH11-related condition. Last evaluated: 2026-02-23. Review status: criteria provided, single submitter. Criteria: ACMG Guidelines, 2015. Collection method: clinical testing. Allele origin: germline.
Comment: The DNAH11 c.6244C>T variant is predicted to result in premature protein termination (p.Arg2082*). This variant along with a second variant in this gene was reported in at least three individuals from two families with primary ciliary dyskinesia (Table 1, Knowles et al. 2012. PubMed ID: 22184204; Table S3, Fassad et al. 2019. PubMed ID: 31879361). This variant is reported in 0.0065% of alleles in individuals of African descent in gnomAD. Nonsense variants in DNAH11 are expected to be pathogenic. This variant is interpreted as pathogenic.

Labcorp Genetics (formerly Invitae), Labcorp
Classification: Pathogenic for Primary ciliary dyskinesia. Last evaluated: 2026-01-28. Review status: criteria provided, single submitter. Criteria: Invitae Variant Classification Sherloc (09022015). Collection method: clinical testing. Allele origin: germline.
Comment: This sequence change creates a premature translational stop signal (p.Arg2082*) in the DNAH11 gene. It is expected to result in an absent or disrupted protein product. Loss-of-function variants in DNAH11 are known to be pathogenic (PMID: 18022865, 20513915, 22184204). This variant is present in population databases (rs200693106, gnomAD 0.007%). This premature translational stop signal has been observed in individual(s) with primary ciliary dyskinesia (PMID: 22184204, 31879361). ClinVar contains an entry for this variant (Variation ID: 228333). For these reasons, this variant has been classified as Pathogenic.

Victorian Clinical Genetics Services, Murdoch Childrens Research Institute
Classification: Pathogenic for Primary ciliary dyskinesia 7. Last evaluated: 2025-07-28. Review status: criteria provided, single submitter. Criteria: ACMG Guidelines, 2015. Collection method: clinical testing. Allele origin: germline. Affected: yes.
Comment: This variant is classified as Pathogenic. Evidence in support of pathogenic classification: Variant is predicted to cause nonsense-mediated decay (NMD) and loss of protein (premature termination codon is located at least 54 nucleotides upstream of the final exon-exon junction); Variant is present in gnomAD <0.01 for a recessive condition (v4: 100 heterozygote(s), 0 homozygote(s)) ; This variant has strong previous evidence of pathogenicity in unrelated individuals. This is a well reported pathogenic variant in individuals affected with primary ciliary dyskinesia (ClinVar, PMID: 31879361); Other NMD predicted variants comparable to the one identified in this case have very strong previous evidence for pathogenicity (ClinVar). Additional information: This variant is heterozygous; This gene is associated with autosomal recessive disease; Loss of function is a known mechanism of disease in this gene and is associated with primary ciliary dyskinesia 7, with or without situs inversus (MIM#611884); Inheritance information for this variant is not currently available in this individual.

Johns Hopkins Genomics, Johns Hopkins University
Classification: Pathogenic for Primary ciliary dyskinesia 7. Last evaluated: 2025-05-14. Review status: criteria provided, single submitter. Criteria: ACMG Guidelines, 2015. Collection method: clinical testing. Allele origin: germline.
Comment: DNAH11 c.6244C>T has been reported in the literature in individuals with features of primary ciliary dyskinesia. It (rs200693106) is rare (<0.1%) in a large population dataset (gnomADv4.1.0: 100/1613180 total alleles; 0.0062%; no homozygotes) and has been reported in ClinVar (Variation ID: 228333). This nonsense variant results in a premature stop codon in exon 37 of 82 likely leading to nonsense-mediated decay and lack of protein production. We consider DNAH11 c.6244C>T to be pathogenic.

Fulgent Genetics
Classification: Pathogenic for Primary ciliary dyskinesia 7. Last evaluated: 2024-06-05. Review status: criteria provided, single submitter. Criteria: ACMG Guidelines, 2015. Collection method: clinical testing. Allele origin: germline.

Ambry Genetics
Classification: Pathogenic for Primary ciliary dyskinesia. Last evaluated: 2024-03-11. Review status: criteria provided, single submitter. Criteria: Ambry Variant Classification Scheme 2023. Collection method: clinical testing. Allele origin: germline.
Comment: The p.R2082* pathogenic mutation (also known as c.6244C>T), located in coding exon 37 of the DNAH11 gene, results from a C to T substitution at nucleotide position 6244. This changes the amino acid from an arginine to a stop codon within coding exon 37. In addition to the clinical data presented in the literature, this alteration is expected to result in loss of function by premature protein truncation or nonsense-mediated mRNA decay. As such, this alteration is interpreted as a disease-causing mutation.

Department of Pathology and Laboratory Medicine, Sinai Health System
Classification: Pathogenic for Primary ciliary dyskinesia 7. Last evaluated: 2023-09-10. Review status: criteria provided, single submitter. Criteria: ACMG Guidelines, 2015. Collection method: research. Allele origin: germline.

Clinical Genetics Laboratory, Skane University Hospital Lund
Classification: Pathogenic. Last evaluated: 2023-06-19. Review status: criteria provided, single submitter. Criteria: ACMG Guidelines, 2015. Collection method: clinical testing. Allele origin: germline. Affected: yes.

Baylor Genetics
Classification: Pathogenic for Primary ciliary dyskinesia 7. Last evaluated: 2023-03-26. Review status: criteria provided, single submitter. Criteria: ACMG Guidelines, 2015. Collection method: clinical testing. Allele origin: unknown.

Blueprint Genetics
Classification: Pathogenic for DNAH11-related disorders. Last evaluated: 2023-02-20. Review status: criteria provided, single submitter. Criteria: ACMG Guidelines, 2015. Collection method: clinical testing. Allele origin: germline. Affected: yes. Observed: 4 variant alleles.

GeneDx
Classification: Pathogenic. Last evaluated: 2020-11-27. Review status: criteria provided, single submitter. Criteria: GeneDx Variant Classification Process June 2021. Collection method: clinical testing. Allele origin: germline. Affected: yes.
Comment: Nonsense variant predicted to result in protein truncation or nonsense mediated decay in a gene for which loss-of-function is a known mechanism of disease; This variant is associated with the following publications: (PMID: 31589614, 31879361, 22184204, 25802884)

Revvity Omics, Revvity
Classification: Pathogenic for Primary ciliary dyskinesia 7. Last evaluated: 2019-02-06. Review status: criteria provided, single submitter. Criteria: ACMG Guidelines, 2015. Collection method: clinical testing. Allele origin: germline.

Laboratory for Molecular Medicine, Mass General Brigham Personalized Medicine
Classification: Pathogenic for Primary ciliary dyskinesia. Last evaluated: 2016-01-07. Review status: criteria provided, single submitter. Criteria: LMM Criteria. Collection method: clinical testing. Allele origin: germline. Inheritance: Autosomal recessive inheritance. Observed: 2 variant alleles.
Comment: The p.Arg2082X variant in DNAH11 has been reported in 1 individual with PCD who carried a second, pathogenic variant on the other allele (Knowles 2012). This va riant has also been identified in 2/10842 Latino chromosomes by the Exome Aggreg ation Consortium (ExAC; dbSNP rs200693106). Alth ough this variant has been seen in the general population, its frequency is low enough to be consistent with a recessive carrier frequency. This nonsense varian t leads to a premature termination codon at position 2082, which is predicted to lead to a truncated or absent protein. In summary, the p.Arg2082X variant meets our criteria to be classified as pathogenic for PCD in an autosomal recessive m anner.

Yale Center for Mendelian Genomics, Yale University
Classification: Likely pathogenic for Primary ciliary dyskinesia. Last evaluated: 2018-08-01. Review status: no assertion criteria provided. Collection method: literature only. Allele origin: germline. Affected: yes. Observed: 1 compound heterozygote. Study: Yale Center for Mendelian Genomics. Not counted in ClinVar's aggregate classification.

Literature cited by the submitters: PubMed 18022865 (cited by Labcorp Genetics (formerly Invitae), Labcorp); PubMed 20513915 (cited by Labcorp Genetics (formerly Invitae), Labcorp); PubMed 22184204 (cited by 4 submitters); PubMed 31879361 (cited by Labcorp Genetics (formerly Invitae), Labcorp and Victorian Clinical Genetics Services, Murdoch Childrens Research Institute); PubMed 34104642 (cited by Johns Hopkins Genomics, Johns Hopkins University); PubMed 25802884 (cited by Laboratory for Molecular Medicine, Mass General Brigham Personalized Medicine); PubMed 30067075 (cited by Yale Center for Mendelian Genomics, Yale University).

NM_001277115.2(DNAH11):c.6244C>T (p.Arg2082Ter)

Gene: DNAH11 (dynein axonemal heavy chain 11; plus strand). Cytogenetic location: 7p15.3.
Variant type: single nucleotide variant.
Coding change: c.6244C>T on transcript NM_001277115.2 (MANE Select); coding-DNA position 6244, C replaced by T.
Protein change: p.Arg2082Ter; replaces arginine 2082 with a stop codon.
Molecular consequence: nonsense.
Genome position (GRCh38, 1-based): chr7:21,702,773, C>T. VCF-style: chr7-21702773-C-T. GRCh37 (hg19) VCF-style: chr7-21742391-C-T.
Other names: short protein forms R2082*.
Identifiers: ClinVar variation 228333 (VCV000228333.34), dbSNP rs200693106, ClinGen allele CA4180738.
Genomic context (GRCh38, chr7:21,702,773, plus strand): 5'-CATTACGACTGGGGACTTCGTGCTATTAAGTCTGTCTTGGTTGTGGCTGGATCTCTGAAA[C>T]GAGGAGATAAAAATAGACCCGAAGATCAGGTACTGCAATGCTAATATGATTTTGTTGAGT-3'